The following is an entry in ClinVar:

ClinVar aggregate classification (germline): Likely pathogenic (1 of 4 stars; one submission).

Conditions:
Dilated cardiomyopathy 1G (CMD1G). Identifiers: Orphanet 154, MedGen C1858763, MONDO:0011400, OMIM 604145.
Autosomal recessive limb-girdle muscular dystrophy type 2J (LGMDR10). Also called: Limb-girdle muscular dystrophy, type 2J; MUSCULAR DYSTROPHY, LIMB-GIRDLE, AUTOSOMAL RECESSIVE 10. Identifiers: Orphanet 140922, MedGen C1837342, MONDO:0012127, OMIM 608807.

Submission:

Labcorp Genetics (formerly Invitae), Labcorp
Classification: Likely pathogenic for Dilated cardiomyopathy 1G; Autosomal recessive limb-girdle muscular dystrophy type 2J. Last evaluated: 2025-10-17. Review status: criteria provided, single submitter. Criteria: Invitae Variant Classification Sherloc (09022015). Collection method: clinical testing. Allele origin: germline.
Comment: This sequence change creates a premature translational stop signal (p.Leu6256Profs*3) in the TTN gene. While this is not anticipated to result in nonsense mediated decay, it is expected to create a truncated TTN protein. This variant is not present in population databases (gnomAD no frequency). This variant has not been reported in the literature in individuals affected with TTN-related conditions. ClinVar contains an entry for this variant (Variation ID: 3760282). Algorithms developed to predict the effect of sequence changes on RNA splicing suggest that this variant may disrupt the consensus splice site. This variant is located in the I band of TTN (PMID: 25589632). Truncating variants in this region have been reported in individuals affected with autosomal recessive centronuclear myopathy (PMID: 23975875, internal data). Truncating variants in this region have also been identified in individuals affected with autosomal dominant dilated cardiomyopathy and/or cardio-related conditions (PMID: 27869827, 32964742, internal data). In summary, the currently available evidence indicates that the variant is pathogenic, but additional data are needed to prove that conclusively. Therefore, this variant has been classified as Likely Pathogenic.

Literature cited by the submitters: PubMed 25589632; PubMed 23975875; PubMed 27869827; PubMed 32964742.

NM_001267550.2(TTN):c.18767del (p.Leu6256fs)

Genes: TTN (titin; minus strand), LOC126806430 (BRD4-independent group 4 enhancer GRCh37_chr2:179593794-179594993; plus strand). Cytogenetic location: 2q31.2.
Variant type: Deletion.
Coding change: c.18767del on transcript NM_001267550.2 (MANE Select); coding-DNA position 18767, one base deleted (T; older notation c.18767delT).
Protein change: p.Leu6256fs; shifts the reading frame from leucine 6256.
Molecular consequence: frameshift variant. On other transcripts: intron variant (3).
Genome position (GRCh38, 1-based): chr2:178,729,389, A deleted on the plus strand (T on the coding strand, the reverse complement: TTN is on the minus strand). VCF-style (leftmost placement, unchanged base first): chr2-178729388-GA-G. GRCh37 (hg19) VCF-style: chr2-179594115-GA-G.
Other names: c.17816del, p.Leu5939fs (NM_001256850.1); c.15035del, p.Leu5012fs (NM_133378.4); c.13282+8693del (NM_003319.4); c.13858+8693del (NM_133437.4); c.13657+8693del (NM_133432.3); short protein forms L5012fs, L5939fs, L6256fs.
Identifiers: ClinVar variation 3760282 (VCV003760282.2).